The following is an entry in ClinVar:

NM_001303.4(COX10):c.1186G>A (p.Gly396Ser)

Gene: COX10 (cytochrome c oxidase assembly factor heme A:farnesyltransferase COX10; plus strand). Cytogenetic location: 17p12.
Variant type: single nucleotide variant.
Coding change: c.1186G>A on transcript NM_001303.4 (MANE Select); coding-DNA position 1186, G replaced by A.
Protein change: p.Gly396Ser; replaces glycine 396 with serine.
Molecular consequence: missense variant.
Genome position (GRCh38, 1-based): chr17:14,207,067, G>A. VCF-style: chr17-14207067-G-A. GRCh37 (hg19) VCF-style: chr17-14110384-G-A.
Other names: short protein forms G396S.
Identifiers: ClinVar variation 1031965 (VCV001031965.3), dbSNP rs142336139, ClinGen allele CA8402548.

ClinVar aggregate classification (germline): Uncertain significance. Review status: criteria provided, multiple submitters, no conflicts (2 of 4 stars). 2 submissions from 2 submitters: Uncertain significance (2). Last evaluated 2024-03-30.

Conditions:
Mitochondrial complex IV deficiency, nuclear type 3. Also called: Mitochondrial complex 4 deficiency, nuclear type 3. Identifiers: MedGen C5436682, MONDO:0033635, OMIM 619046.
Leigh syndrome (NULS). Also called: Subacute necrotizing encephalopathy; Necrotizing encephalopathy infantile subacute of Leigh; Leigh's syndrome; Leigh Disease; LEIGH SYNDROME, NUCLEAR; Leigh's necrotizing encephalopathy. Identifiers: Orphanet 506, MedGen C2931891, MONDO:0009723, OMIM 256000.

Allele frequency attached by ClinVar (database versions not stated): gnomAD 0.00001 and 0.00002; TOPMed 0.00001; ExAC 0.00003; ESP Exome Variant Server 0.00008.
gnomAD v4.1: 32 of 1,613,894 alleles (0.002%); highest among the groups gnomAD compares: South Asian, 0.023%; no homozygotes.

Submissions (2):

Fulgent Genetics
Classification: Uncertain significance for Mitochondrial complex IV deficiency, nuclear type 3. Last evaluated: 2024-03-30. Review status: criteria provided, single submitter. Criteria: ACMG Guidelines, 2015. Collection method: clinical testing. Allele origin: germline.

Baylor Genetics
Classification: Uncertain significance for Leigh syndrome. Last evaluated: 2018-08-06. Review status: criteria provided, single submitter. Criteria: ACMG Guidelines, 2015. Collection method: clinical testing. Allele origin: maternal. Affected: yes.
Comment: This variant was determined to be of uncertain significance according to ACMG Guidelines, 2015 [PMID:25741868].